The following is an entry in ClinVar:

NC_000005.10:g.112707338dup

Gene: APC (APC regulator of Wnt signaling pathway; plus strand). Cytogenetic location: 5q22.2.
Variant type: Duplication.
Genome position: GRCh38 VCF-style: chr5-112707337-G-GT. GRCh37 (hg19) VCF-style: chr5-112043034-G-GT.
Identifiers: ClinVar variation 646438 (VCV000646438.9), dbSNP rs1156546602, ClinGen allele CA802056785.

ClinVar aggregate classification (germline): Uncertain significance (1 of 4 stars; one submission).

Conditions:
Familial adenomatous polyposis 1 (FAP1). Also called: FAMILIAL ADENOMATOUS POLYPOSIS 1, ATTENUATED; POLYPOSIS, ADENOMATOUS INTESTINAL. Identifiers: MedGen C2713442, MONDO:0021056, OMIM 175100. Disease mechanism: loss of function.

Allele frequency attached by ClinVar (database versions not stated): TOPMed below 0.00001.

Submission:

Labcorp Genetics (formerly Invitae), Labcorp
Classification: Uncertain significance for Familial adenomatous polyposis 1. Last evaluated: 2026-01-20. Review status: criteria provided, single submitter. Criteria: Invitae Variant Classification Sherloc (09022015). Collection method: clinical testing. Allele origin: germline.
Comment: This variant occurs in a non-coding region of the APC gene. It does not change the encoded amino acid sequence of the APC protein. This variant is not present in population databases (gnomAD no frequency). This variant has not been reported in the literature in individuals affected with APC-related conditions. Experimental studies and prediction algorithms are not available or were not evaluated, and the functional significance of this variant is currently unknown. In summary, the available evidence is currently insufficient to determine the role of this variant in disease. Therefore, it has been classified as a Variant of Uncertain Significance.